The following is an entry in ClinVar:

NM_000388.4(CASR):c.2900_2920del (p.Ile967_Val973del)

Gene: CASR (calcium sensing receptor; plus strand). Cytogenetic location: 3q21.1.
Variant type: Deletion.
Coding change: c.2900_2920del on transcript NM_000388.4 (MANE Select); coding-DNA positions 2900 to 2920, 21 bases deleted (TCTTTGGCAGCGGCACGGTCA).
Protein change: p.Ile967_Val973del.
Genome position (GRCh38, 1-based): chr3:122,284,854-122,284,874, TCTTTGGCAGCGGCACGGTCA deleted; deleting any 21 consecutive bases within chr3:122,284,849-122,284,874 gives the same sequence; the c. name uses the placement nearest the transcript's 3' end. VCF-style (leftmost placement, unchanged base first): chr3-122284848-AGGTCATCTTTGGCAGCGGCAC-A. GRCh37 (hg19) VCF-style: chr3-122003695-AGGTCATCTTTGGCAGCGGCAC-A.
Other names: c.2930_2950del, p.Ile977_Val983del (NM_001178065.2); c.2900_2920del21 (NM_000388.4).
Identifiers: ClinVar variation 3907522 (VCV003907522.2).

ClinVar aggregate classification (germline): Uncertain significance. Review status: criteria provided, multiple submitters, no conflicts (2 of 4 stars). 2 submissions from 2 submitters: Uncertain significance (2). Last evaluated 2025-08-19.

Conditions:
Autosomal dominant hypocalcemia 1 (HYPOC1). Also called: HYPOCALCEMIA, FAMILIAL. Identifiers: MedGen C3715128, MONDO:0011013, OMIM 601198.
Familial hypocalciuric hypercalcemia (FHH). Also called: Familial benign hypercalcemia. Identifiers: Orphanet 405, MedGen C1809471, MONDO:0018458.

Submissions (2):

Labcorp Genetics (formerly Invitae), Labcorp
Classification: Uncertain significance for Familial hypocalciuric hypercalcemia; Autosomal dominant hypocalcemia 1. Last evaluated: 2025-08-19. Review status: criteria provided, single submitter. Criteria: Invitae Variant Classification Sherloc (09022015). Collection method: clinical testing. Allele origin: germline.
Comment: This variant, c.2900_2920del, results in the deletion of 7 amino acid(s) of the CASR protein (p.Ile967_Val973del), but otherwise preserves the integrity of the reading frame. This variant is not present in population databases (gnomAD no frequency). This variant has not been reported in the literature in individuals affected with CASR-related conditions. ClinVar contains an entry for this variant (Variation ID: 3907522). Experimental studies and prediction algorithms are not available or were not evaluated, and the functional significance of this variant is currently unknown. In summary, the available evidence is currently insufficient to determine the role of this variant in disease. Therefore, it has been classified as a Variant of Uncertain Significance.

Women's Health and Genetics/Laboratory Corporation of America, LabCorp
Classification: Uncertain significance. Last evaluated: 2025-06-26. Review status: criteria provided, single submitter. Criteria: LabCorp Variant Classification Summary - May 2015. Collection method: clinical testing. Allele origin: germline.
Comment: Variant summary: CASR c.2900_2920del21 (p.Ile967_Val973del) results in an in-frame deletion that is predicted to remove seven amino acids from the encoded protein. The variant was absent in 251412 control chromosomes (gnomAD). The available data on variant occurrences in the general population are insufficient to allow any conclusion about variant significance. To our knowledge, no occurrence of c.2900_2920del21 in individuals affected with Autosomal Dominant Hypocalcemia and no experimental evidence demonstrating its impact on protein function have been reported. No submitters have cited clinical-significance assessments for this variant to ClinVar. Based on the evidence outlined above, the variant was classified as uncertain significance.